The following is an entry in ClinVar:

ClinVar aggregate classification (germline): Uncertain significance (1 of 4 stars; one submission).

Conditions:
Hypertrophic cardiomyopathy. Also called: HYPERTROPHIC MYOCARDIOPATHY. Identifiers: Orphanet 217569, MedGen C0007194, MeSH D002312, MONDO:0005045, HP:0001639.

Allele frequency attached by ClinVar (database versions not stated): gnomAD exomes below 0.00001; ExAC 0.00001.
gnomAD v4.1: 2 of 1,614,174 alleles (0.00012%); highest among the groups gnomAD compares: South Asian, 0.0022%; no homozygotes.

Submission:

Labcorp Genetics (formerly Invitae), Labcorp
Classification: Uncertain significance for Hypertrophic cardiomyopathy. Last evaluated: 2024-01-31. Review status: criteria provided, single submitter. Criteria: Invitae Variant Classification Sherloc (09022015). Collection method: clinical testing. Allele origin: germline.
Comment: This sequence change replaces histidine, which is basic and polar, with tyrosine, which is neutral and polar, at codon 251 of the MYH7 protein (p.His251Tyr). This variant is present in population databases (rs775551367, gnomAD 0.003%). This variant has not been reported in the literature in individuals affected with MYH7-related conditions. Advanced modeling of protein sequence and biophysical properties (such as structural, functional, and spatial information, amino acid conservation, physicochemical variation, residue mobility, and thermodynamic stability) performed at Invitae indicates that this missense variant is expected to disrupt MYH7 protein function with a positive predictive value of 95%. In summary, the available evidence is currently insufficient to determine the role of this variant in disease. Therefore, it has been classified as a Variant of Uncertain Significance.

NM_000257.4(MYH7):c.751C>T (p.His251Tyr)

Gene: MYH7 (myosin heavy chain 7; minus strand). Cytogenetic location: 14q11.2.
Variant type: single nucleotide variant.
Coding change: c.751C>T on transcript NM_000257.4 (MANE Select); coding-DNA position 751, C replaced by T.
Protein change: p.His251Tyr; replaces histidine 251 with tyrosine.
Molecular consequence: missense variant.
Genome position (GRCh38, 1-based): chr14:23,431,463, G>A on the plus strand (C>T on the coding strand, the complement: MYH7 is on the minus strand). VCF-style: chr14-23431463-G-A. GRCh37 (hg19) VCF-style: chr14-23900672-G-A.
Other names: c.751C>T, p.His251Tyr (NM_001407004.1); short protein forms H251Y.
Identifiers: ClinVar variation 2713036 (VCV002713036.3), dbSNP rs775551367, ClinGen allele CA049044.